The following is an entry in ClinVar:

ClinVar aggregate classification (germline): Uncertain significance (1 of 4 stars; one submission).

gnomAD v4.1: 3 of 1,613,494 alleles (0.00019%); highest among the groups gnomAD compares: Admixed American, 0.005%; no homozygotes.

Submission:

Labcorp Genetics (formerly Invitae), Labcorp
Classification: Uncertain significance. Last evaluated: 2024-09-01. Review status: criteria provided, single submitter. Criteria: Invitae Variant Classification Sherloc (09022015). Collection method: clinical testing. Allele origin: germline.
Comment: This sequence change replaces alanine, which is neutral and non-polar, with valine, which is neutral and non-polar, at codon 245 of the STAT4 protein (p.Ala245Val). This variant is present in population databases (rs760044145, gnomAD 0.009%). This variant has not been reported in the literature in individuals affected with STAT4-related conditions. Invitae Evidence Modeling of protein sequence and biophysical properties (such as structural, functional, and spatial information, amino acid conservation, physicochemical variation, residue mobility, and thermodynamic stability) indicates that this missense variant is expected to disrupt STAT4 protein function with a positive predictive value of 80%. In summary, the available evidence is currently insufficient to determine the role of this variant in disease. Therefore, it has been classified as a Variant of Uncertain Significance.

NM_003151.4(STAT4):c.734C>T (p.Ala245Val)

Gene: STAT4 (signal transducer and activator of transcription 4; minus strand). Cytogenetic location: 2q32.2.
Variant type: single nucleotide variant.
Coding change: c.734C>T on transcript NM_003151.4 (MANE Select); coding-DNA position 734, C replaced by T.
Protein change: p.Ala245Val; replaces alanine 245 with valine.
Molecular consequence: missense variant.
Genome position (GRCh38, 1-based): chr2:191,064,855, G>A on the plus strand (C>T on the coding strand, the complement: STAT4 is on the minus strand). VCF-style: chr2-191064855-G-A. GRCh37 (hg19) VCF-style: chr2-191929581-G-A.
Other names: c.734C>T, p.Ala245Val (NM_001243835.2); short protein forms A245V.
Identifiers: ClinVar variation 3704773 (VCV003704773.2).